The following is an entry in ClinVar:

ClinVar aggregate classification (germline): Uncertain significance (1 of 4 stars; one submission).

Conditions:
Cardiovascular phenotype. Identifiers: MedGen CN230736.

Submission:

Ambry Genetics
Classification: Uncertain significance for Cardiovascular phenotype. Last evaluated: 2025-11-16. Review status: criteria provided, single submitter. Criteria: Ambry Variant Classification Scheme 2023. Collection method: clinical testing. Allele origin: germline.
Comment: The p.T120I variant (also known as c.359C>T), located in coding exon 4 of the ABCA1 gene, results from a C to T substitution at nucleotide position 359. The threonine at codon 120 is replaced by isoleucine, an amino acid with similar properties. This amino acid position is conserved. In addition, the in silico prediction for this alteration is inconclusive. Based on the available evidence, the clinical significance of this variant remains unclear.

NM_005502.4(ABCA1):c.359C>T (p.Thr120Ile)

Gene: ABCA1 (ATP binding cassette subfamily A member 1; minus strand). Cytogenetic location: 9q31.1.
Variant type: single nucleotide variant.
Coding change: c.359C>T on transcript NM_005502.4 (MANE Select); coding-DNA position 359, C replaced by T.
Protein change: p.Thr120Ile; replaces threonine 120 with isoleucine.
Molecular consequence: missense variant.
Genome position (GRCh38, 1-based): chr9:104,883,101, G>A on the plus strand (C>T on the coding strand, the complement: ABCA1 is on the minus strand). VCF-style: chr9-104883101-G-A. GRCh37 (hg19) VCF-style: chr9-107645382-G-A.
Other names: short protein forms T120I.
Identifiers: ClinVar variation 4613283 (VCV004613283.1).
Genomic context (GRCh38, chr9:104,883,101, plus strand): 5'-GAGCTGGATTTCTTGATCTGCTGTAATGTTCTCAGAACTTTGCGCATGTCCTTCATGCTG[G>A]TGTCTTTCTGGCTGTATAAAAGAAGCCTCCGAGCATCTGAGAACAGGCGAGCCACACTGT-3'
Protein context (NP_005493.2, residues 110-130): RRLLLYSQKD[Thr120Ile]SMKDMRKVLR